The following is an entry in ClinVar:

NM_201384.3(PLEC):c.8887G>A (p.Val2963Met)

Gene: PLEC (plectin; minus strand). Cytogenetic location: 8q24.3.
Variant type: single nucleotide variant.
Coding change: c.8887G>A on transcript NM_201384.3 (MANE Select); coding-DNA position 8887, G replaced by A.
Protein change: p.Val2963Met; replaces valine 2963 with methionine.
Molecular consequence: missense variant.
Genome position (GRCh38, 1-based): chr8:143,920,934, C>T on the plus strand (G>A on the coding strand, the complement: PLEC is on the minus strand). VCF-style: chr8-143920934-C-T. GRCh37 (hg19) VCF-style: chr8-144995102-C-T.
Other names: c.9298G>A, p.Val3100Met (NM_201380.4); c.8791G>A, p.Val2931Met (NM_201381.3); c.8887G>A, p.Val2963Met (NM_201382.4); c.8899G>A, p.Val2967Met (NM_201383.3); c.8968G>A, p.Val2990Met (NM_000445.5); c.5587G>A, p.Val1863Met (NM_001410941.1); c.8845G>A, p.Val2949Met (NM_201378.4); c.8821G>A, p.Val2941Met (NM_201379.3); short protein forms V2931M, V2963M, V1863M, V2949M, V2967M, V2941M, V2990M, V3100M.
Identifiers: ClinVar variation 2935363 (VCV002935363.3), dbSNP rs782732681, ClinGen allele CA4925146.

ClinVar aggregate classification (germline): Uncertain significance (1 of 4 stars; one submission).

Conditions:
Epidermolysis bullosa simplex with nail dystrophy (EBS5D). Identifiers: MedGen C4225309, MONDO:0014661, OMIM 616487.
Epidermolysis bullosa simplex 5C, with pyloric atresia (EBS5C). Also called: PLEC-Related Epidermolysis Bullosa with Pyloric Atresia; Epidermolysis bullosa simplex with pyloric atresia; PLEC1-Related Epidermolysis Bullosa with Pyloric Atresia. Identifiers: Orphanet 158684, MedGen C2677349, MONDO:0012807, OMIM 612138.
Autosomal recessive limb-girdle muscular dystrophy type 2Q (LGMDR17). Also called: MUSCULAR DYSTROPHY, LIMB-GIRDLE, AUTOSOMAL RECESSIVE 17. Identifiers: Orphanet 254361, MedGen C3150989, MONDO:0013390, OMIM 613723.
Epidermolysis bullosa simplex, Ogna type (EBS5A). Also called: Pidermolysis bullosa simplex 5A, Ogna type; EPIDERMOLYSIS BULLOSA SIMPLEX 5A, OGNA TYPE. Identifiers: Orphanet 79401, MedGen C0432317, MONDO:0007555, OMIM 131950.
Epidermolysis bullosa simplex 5B, with muscular dystrophy (EBS5B). Also called: EPIDERMOLYSIS BULLOSA SIMPLEX AND LIMB-GIRDLE MUSCULAR DYSTROPHY; Epidermolysis bullosa simplex with muscular dystrophy. Identifiers: Orphanet 257, MedGen C2931072, MONDO:0009181, OMIM 226670.

Allele frequency attached by ClinVar (database versions not stated): gnomAD exomes below 0.00001; TOPMed below 0.00001; ExAC 0.00001.

Submission:

Labcorp Genetics (formerly Invitae), Labcorp
Classification: Uncertain significance for Autosomal recessive limb-girdle muscular dystrophy type 2Q; Epidermolysis bullosa simplex, Ogna type; Epidermolysis bullosa simplex with nail dystrophy; Epidermolysis bullosa simplex 5C, with pyloric atresia; Epidermolysis bullosa simplex 5B, with muscular dystrophy. Last evaluated: 2023-03-10. Review status: criteria provided, single submitter. Criteria: Invitae Variant Classification Sherloc (09022015). Collection method: clinical testing. Allele origin: germline.
Comment: This variant has not been reported in the literature in individuals affected with PLEC-related conditions. This variant is present in population databases (rs782732681, gnomAD 0.006%). This sequence change replaces valine, which is neutral and non-polar, with methionine, which is neutral and non-polar, at codon 2990 of the PLEC protein (p.Val2990Met). An algorithm developed to predict the effect of missense changes on protein structure and function (PolyPhen-2) suggests that this variant is likely to be disruptive. In summary, the available evidence is currently insufficient to determine the role of this variant in disease. Therefore, it has been classified as a Variant of Uncertain Significance.